The following is an entry in ClinVar:

NM_001854.4(COL11A1):c.3708T>A (p.Asp1236Glu)

Gene: COL11A1 (collagen type XI alpha 1 chain; minus strand). Cytogenetic location: 1p21.1.
Variant type: single nucleotide variant.
Coding change: c.3708T>A on transcript NM_001854.4 (MANE Select); coding-DNA position 3708, T replaced by A.
Protein change: p.Asp1236Glu; replaces aspartic acid 1236 with glutamic acid.
Molecular consequence: missense variant. On other transcripts: non-coding transcript variant (1).
Genome position (GRCh38, 1-based): chr1:102,921,518, A>T on the plus strand (T>A on the coding strand, the complement: COL11A1 is on the minus strand). VCF-style: chr1-102921518-A-T. GRCh37 (hg19) VCF-style: chr1-103387074-A-T.
Other names: c.3591T>A, p.Asp1197Glu (NM_001190709.2); c.3744T>A, p.Asp1248Glu (NM_080629.3); c.3360T>A, p.Asp1120Glu (NM_080630.4); short protein forms D1120E, D1197E, D1236E, D1248E.
Identifiers: ClinVar variation 3899629 (VCV003899629.1).

ClinVar aggregate classification (germline): Uncertain significance (1 of 4 stars; one submission).

Submission:

GeneDx
Classification: Uncertain significance. Last evaluated: 2024-11-13. Review status: criteria provided, single submitter. Criteria: GeneDx Variant Classification Process June 2021. Collection method: clinical testing. Allele origin: germline. Affected: yes.
Comment: Not observed at significant frequency in large population cohorts (gnomAD); In silico analysis indicates that this missense variant does not alter protein structure/function; Has not been previously published as pathogenic or benign to our knowledge